The following is an entry in ClinVar:

ClinVar aggregate classification (germline): Likely pathogenic (1 of 4 stars; one submission).

Conditions:
Niemann-Pick disease, type C1. Also called: NEUROVISCERAL STORAGE DISEASE WITH VERTICAL SUPRANUCLEAR OPHTHALMOPLEGIA; NIEMANN-PICK DISEASE WITH CHOLESTEROL ESTERIFICATION BLOCK; NIEMANN-PICK DISEASE WITHOUT SPHINGOMYELINASE DEFICIENCY; NIEMANN-PICK DISEASE, CHRONIC NEURONOPATHIC FORM; NIEMANN-PICK DISEASE, VARIANT TYPE C1. Identifiers: Orphanet 646, MedGen C3179455, MONDO:0009757, OMIM 257220.

Submission:

Labcorp Genetics (formerly Invitae), Labcorp
Classification: Likely pathogenic for Niemann-Pick disease, type C1. Last evaluated: 2022-11-29. Review status: criteria provided, single submitter. Criteria: Invitae Variant Classification Sherloc (09022015). Collection method: clinical testing. Allele origin: germline.
Comment: In summary, the currently available evidence indicates that the variant is pathogenic, but additional data are needed to prove that conclusively. Therefore, this variant has been classified as Likely Pathogenic. This variant disrupts the p.Ile685 amino acid residue in NPC1. Other variant(s) that disrupt this residue have been determined to be pathogenic (PMID: 24915861, 32317543). This suggests that this residue is clinically significant, and that variants that disrupt this residue are likely to be disease-causing. Advanced modeling of protein sequence and biophysical properties (such as structural, functional, and spatial information, amino acid conservation, physicochemical variation, residue mobility, and thermodynamic stability) performed at Invitae indicates that this missense variant is expected to disrupt NPC1 protein function. This variant has not been reported in the literature in individuals affected with NPC1-related conditions. This variant is not present in population databases (gnomAD no frequency). This sequence change replaces isoleucine, which is neutral and non-polar, with leucine, which is neutral and non-polar, at codon 685 of the NPC1 protein (p.Ile685Leu).

Literature cited by the submitters: PubMed 24915861; PubMed 32317543.

NM_000271.5(NPC1):c.2053A>C (p.Ile685Leu)

Gene: NPC1 (NPC intracellular cholesterol transporter 1; minus strand). Cytogenetic location: 18q11.2.
Variant type: single nucleotide variant.
Coding change: c.2053A>C on transcript NM_000271.5 (MANE Select); coding-DNA position 2053, A replaced by C.
Protein change: p.Ile685Leu; replaces isoleucine 685 with leucine.
Molecular consequence: missense variant.
Genome position (GRCh38, 1-based): chr18:23,544,421, T>G on the plus strand (A>C on the coding strand, the complement: NPC1 is on the minus strand). VCF-style: chr18-23544421-T-G. GRCh37 (hg19) VCF-style: chr18-21124385-T-G.
Other names: short protein forms I685L.
Identifiers: ClinVar variation 2789246 (VCV002789246.3), dbSNP rs1310067072, ClinGen allele CA401771407.